The following is an entry in ClinVar:

NM_001114753.3(ENG):c.*86C>T

Gene: ENG (endoglin; minus strand). Cytogenetic location: 9q34.11.
Variant type: single nucleotide variant.
Coding change: c.*86C>T on transcript NM_001114753.3 (MANE Select); 86 bases downstream of the stop codon, C replaced by T.
Molecular consequence: 3 prime UTR variant.
Genome position (GRCh38, 1-based): chr9:127,815,596, G>A on the plus strand (C>T on the coding strand, the complement: ENG is on the minus strand). VCF-style: chr9-127815596-G-A. GRCh37 (hg19) VCF-style: chr9-130577875-G-A.
Other names: c.*321C>T (NM_000118.4); c.*86C>T (NM_001278138.2).
Identifiers: ClinVar variation 4682058 (VCV004682058.5).

ClinVar aggregate classification (germline): Likely benign (1 of 4 stars; one submission).

gnomAD v4.1: 2 of 1,508,030 alleles (0.00013%); highest among the groups gnomAD compares: Admixed American, 0.0041%; no homozygotes.

Submission:

CeGaT Center for Human Genetics Tuebingen
Classification: Likely benign. Last evaluated: 2025-12-01. Review status: criteria provided, single submitter. Criteria: CeGaT Center For Human Genetics Tuebingen Variant Classification Criteria Version 2. Collection method: clinical testing. Allele origin: germline. Affected: yes. Observed: 1 variant allele.
Comment: ENG: BP4, BP7